The following is an entry in ClinVar:

NM_004006.3(DMD):c.4867A>G (p.Lys1623Glu)

Gene: DMD (dystrophin; minus strand). Cytogenetic location: Xp21.1.
Variant type: single nucleotide variant.
Coding change: c.4867A>G on transcript NM_004006.3 (MANE Select); coding-DNA position 4867, A replaced by G.
Protein change: p.Lys1623Glu; replaces lysine 1623 with glutamic acid.
Molecular consequence: missense variant.
Genome position (GRCh38, 1-based): chrX:32,365,178, T>C on the plus strand (A>G on the coding strand, the complement: DMD is on the minus strand). VCF-style: chrX-32365178-T-C. GRCh37 (hg19) VCF-style: chrX-32383295-T-C.
Other names: c.4843A>G, p.Lys1615Glu (NM_000109.4); c.4855A>G, p.Lys1619Glu (NM_004009.3); c.4498A>G, p.Lys1500Glu (NM_004010.3); c.844A>G, p.Lys282Glu (NM_004011.4); c.835A>G, p.Lys279Glu (NM_004012.4); short protein forms K1500E, K279E, K1615E, K1619E, K1623E, K282E.
Identifiers: ClinVar variation 2748961 (VCV002748961.3), dbSNP rs2522572986, ClinGen allele CA412672519.

ClinVar aggregate classification (germline): Uncertain significance (1 of 4 stars; one submission).

Conditions:
Duchenne muscular dystrophy (DMD). Also called: MUSCULAR DYSTROPHY, PSEUDOHYPERTROPHIC PROGRESSIVE, DUCHENNE TYPE; Duchenne Muscular Dystrophy (DMD). Identifiers: Orphanet 98896, MedGen C0013264, MONDO:0010679, OMIM 310200.

Submission:

Labcorp Genetics (formerly Invitae), Labcorp
Classification: Uncertain significance for Duchenne muscular dystrophy. Last evaluated: 2023-10-07. Review status: criteria provided, single submitter. Criteria: Invitae Variant Classification Sherloc (09022015). Collection method: clinical testing. Allele origin: germline.
Comment: This sequence change replaces lysine, which is basic and polar, with glutamic acid, which is acidic and polar, at codon 1623 of the DMD protein (p.Lys1623Glu). This variant is not present in population databases (gnomAD no frequency). This variant has not been reported in the literature in individuals affected with DMD-related conditions. Advanced modeling of protein sequence and biophysical properties (such as structural, functional, and spatial information, amino acid conservation, physicochemical variation, residue mobility, and thermodynamic stability) performed at Invitae indicates that this missense variant is not expected to disrupt DMD protein function. In summary, the available evidence is currently insufficient to determine the role of this variant in disease. Therefore, it has been classified as a Variant of Uncertain Significance.